The following is an entry in ClinVar:

NM_000287.4(PEX6):c.1773C>T (p.Leu591=)

Gene: PEX6 (peroxisomal biogenesis factor 6; minus strand). Cytogenetic location: 6p21.1.
Variant type: single nucleotide variant.
Coding change: c.1773C>T on transcript NM_000287.4 (MANE Select); coding-DNA position 1773, C replaced by T.
Protein change: p.Leu591=; no amino-acid change (leucine 591 retained).
Molecular consequence: synonymous variant. On other transcripts: non-coding transcript variant (1).
Genome position (GRCh38, 1-based): chr6:42,967,479, G>A on the plus strand (C>T on the coding strand, the complement: PEX6 is on the minus strand). VCF-style: chr6-42967479-G-A. GRCh37 (hg19) VCF-style: chr6-42935217-G-A.
Other names: c.1509C>T, p.Leu503= (NM_001316313.2); c.1773C>T (NM_000287.3).
Identifiers: ClinVar variation 1078973 (VCV001078973.12), dbSNP rs56328719, ClinGen allele CA3811223.
Genomic context (GRCh38, chr6:42,967,479, plus strand): 5'-GTGGGCAGTGAGGGCCCGCAGGATGCTGAGCCGCTGCCCCTCTGACAGAGCAGGCACCTC[G>A]AGCTCATGAGGAAATGCTGTCTGCACATCAGCAGGCAGGTCCTGGGCCCGGCTTGTGGTG-3'
Protein context (NP_000278.3, residues 581-601): ADVQTAFPHE[Leu591=]EVPALSEGQR

ClinVar aggregate classification (germline): Likely benign. Review status: criteria provided, multiple submitters, no conflicts (2 of 4 stars). 3 submissions from 3 submitters: Likely benign (2). 1 of the submissions does not count toward it. Last evaluated 2025-11-25.

Conditions:
PEX6-related disorder. Also called: PEX6-related condition; PEX6-related disorders.
Peroxisome biogenesis disorder. Identifiers: Orphanet 79189, MedGen C1832200, MONDO:0019234. Disease mechanism: loss of function.

Allele frequency attached by ClinVar (database versions not stated): gnomAD exomes 0.00003; ExAC 0.00004; TOPMed 0.00005; ESP Exome Variant Server 0.00008; gnomAD 0.00008 and 0.00009.
gnomAD v4.1: 61 of 1,610,932 alleles (0.0038%); highest among the groups gnomAD compares: African/African-American, 0.02%; no homozygotes.

Submissions (3):

Labcorp Genetics (formerly Invitae), Labcorp
Classification: Likely benign for Peroxisome biogenesis disorder. Last evaluated: 2025-11-25. Review status: criteria provided, single submitter. Criteria: Invitae Variant Classification Sherloc (09022015). Collection method: clinical testing. Allele origin: germline.

Blueprint Genetics
Classification: Likely benign. Last evaluated: 2023-12-18. Review status: criteria provided, single submitter. Criteria: ACMG Guidelines, 2015. Collection method: clinical testing. Allele origin: germline.

PreventionGenetics, part of Exact Sciences
Classification: Likely benign for PEX6-related condition. Last evaluated: 2021-05-26. Review status: no assertion criteria provided. Collection method: clinical testing. Allele origin: germline. Not counted in ClinVar's aggregate classification.
Comment: This variant is classified as likely benign based on ACMG/AMP sequence variant interpretation guidelines (Richards et al. 2015 PMID: 25741868, with internal and published modifications).